The following is an entry in ClinVar:

NM_005918.4(MDH2):c.450C>G (p.Ile150Met)

Gene: MDH2 (malate dehydrogenase 2; plus strand). Cytogenetic location: 7q11.23.
Variant type: single nucleotide variant.
Coding change: c.450C>G on transcript NM_005918.4 (MANE Select); coding-DNA position 450, C replaced by G.
Protein change: p.Ile150Met; replaces isoleucine 150 with methionine.
Molecular consequence: missense variant. On other transcripts: intron variant (1).
Genome position (GRCh38, 1-based): chr7:76,060,393, C>G. VCF-style: chr7-76060393-C-G. GRCh37 (hg19) VCF-style: chr7-75689711-C-G.
Other names: c.129C>G, p.Ile43Met (NM_001282404.2); c.429+2315C>G (NM_001282403.2); short protein forms I150M, I43M.
Identifiers: ClinVar variation 1953342 (VCV001953342.5), dbSNP rs1797911624, ClinGen allele CA367764784.

ClinVar aggregate classification (germline): Uncertain significance (1 of 4 stars; one submission).

Allele frequency attached by ClinVar (database versions not stated): TOPMed below 0.00001.

Submission:

Labcorp Genetics (formerly Invitae), Labcorp
Classification: Uncertain significance. Last evaluated: 2022-03-13. Review status: criteria provided, single submitter. Criteria: Invitae Variant Classification Sherloc (09022015). Collection method: clinical testing. Allele origin: germline.
Comment: This sequence change replaces isoleucine, which is neutral and non-polar, with methionine, which is neutral and non-polar, at codon 150 of the MDH2 protein (p.Ile150Met). This variant is not present in population databases (gnomAD no frequency). This variant has not been reported in the literature in individuals affected with MDH2-related conditions. Algorithms developed to predict the effect of missense changes on protein structure and function are either unavailable or do not agree on the potential impact of this missense change (SIFT: "Deleterious"; PolyPhen-2: "Possibly Damaging"; Align-GVGD: "Class C0"). Algorithms developed to predict the effect of sequence changes on RNA splicing suggest that this variant may disrupt the consensus splice site. In summary, the available evidence is currently insufficient to determine the role of this variant in disease. Therefore, it has been classified as a Variant of Uncertain Significance.